The following is an entry in ClinVar:

NM_001080476.3(GRXCR1):c.592C>T (p.Leu198Phe)

Gene: GRXCR1 (glutaredoxin and cysteine rich domain containing 1; plus strand). Cytogenetic location: 4p13.
Variant type: single nucleotide variant.
Coding change: c.592C>T on transcript NM_001080476.3 (MANE Select); coding-DNA position 592, C replaced by T.
Protein change: p.Leu198Phe; replaces leucine 198 with phenylalanine.
Molecular consequence: missense variant.
Genome position (GRCh38, 1-based): chr4:42,963,099, C>T. VCF-style: chr4-42963099-C-T. GRCh37 (hg19) VCF-style: chr4-42965116-C-T.
Other names: short protein forms L198F.
Identifiers: ClinVar variation 3764401 (VCV003764401.2).

ClinVar aggregate classification (germline): Uncertain significance (1 of 4 stars; one submission).

gnomAD v4.1: 5 of 1,612,700 alleles (0.00031%); highest among the groups gnomAD compares: African/African-American, 0.0053%; no homozygotes.

Submission:

GeneDx
Classification: Uncertain significance. Last evaluated: 2025-10-21. Review status: criteria provided, single submitter. Criteria: GeneDx Variant Classification Process June 2021. Collection method: clinical testing. Allele origin: germline.
Comment: Not observed at significant frequency in large population cohorts (gnomAD); In silico analysis supports that this missense variant has a deleterious effect on protein structure/function; Has not been previously published as pathogenic or benign to our knowledge